The following is an entry in ClinVar:

NM_000352.6(ABCC8):c.2993G>C (p.Arg998Pro)

Gene: ABCC8 (ATP binding cassette subfamily C member 8; minus strand). Cytogenetic location: 11p15.1.
Variant type: single nucleotide variant.
Coding change: c.2993G>C on transcript NM_000352.6 (MANE Select); coding-DNA position 2993, G replaced by C.
Protein change: p.Arg998Pro; replaces arginine 998 with proline.
Molecular consequence: missense variant. On other transcripts: non-coding transcript variant (1).
Genome position (GRCh38, 1-based): chr11:17,407,057, C>G on the plus strand (G>C on the coding strand, the complement: ABCC8 is on the minus strand). VCF-style: chr11-17407057-C-G. GRCh37 (hg19) VCF-style: chr11-17428604-C-G.
Other names: c.2996G>C, p.Arg999Pro (NM_001287174.3); c.3059G>C, p.Arg1020Pro (NM_001351295.2); c.2993G>C, p.Arg998Pro (NM_001351296.2); c.2990G>C, p.Arg997Pro (NM_001351297.2); short protein forms R998P, R999P, R1020P, R997P.
Identifiers: ClinVar variation 303768 (VCV000303768.8), dbSNP rs776248166, ClinGen allele CA5902950.

ClinVar aggregate classification (germline): Uncertain significance. Review status: criteria provided, multiple submitters, no conflicts (2 of 4 stars). 6 submissions from 4 submitters: Uncertain significance (6). Last evaluated 2025-10-21.

Conditions:
Type 2 diabetes mellitus. Also called: Type II diabetes mellitus. Identifiers: MedGen C0011860, MeSH D003924, MONDO:0005148, OMIM 125853, HP:0005978.
Leucine-induced hypoglycemia (LIH). Also called: LEUCINE-SENSITIVE HYPOGLYCEMIA OF INFANCY. Identifiers: MedGen C0271714, MONDO:0009415, OMIM 240800.
Hyperinsulinemic hypoglycemia, familial, 1 (HHF1). Also called: Persistent hyperinsulinemic hypoglycemia of infancy; HYPERINSULINISM, FAMILIAL, WITH PANCREATIC NESIDIOBLASTOSIS; HYPOGLYCEMIA, HYPERINSULINEMIC, OF INFANCY; NESIDIOBLASTOSIS OF PANCREAS; Persistent Hyperinsulinemia Hypoglycemia of Infancy. Identifiers: Orphanet 276575, Orphanet 276598, MedGen C2931832, MONDO:0009734, OMIM 256450.
Diabetes mellitus, transient neonatal, 2 (TNDM2). Identifiers: Orphanet 99886, MedGen C1835887, MONDO:0012480, OMIM 610374. Disease mechanism: loss of function.
Diabetes mellitus, permanent neonatal 3. Also called: ABCC8-Related Permanent Neonatal Diabetes Mellitus. Identifiers: MedGen C5394303, MONDO:0030088, OMIM 618857.
Permanent neonatal diabetes mellitus (PNDM). Identifiers: Orphanet 99885, MedGen C1833104, MONDO:0100164, MONDO:0011643. Disease mechanism: gain of function.

Allele frequency attached by ClinVar (database versions not stated): TOPMed 0.00001.
gnomAD v4.1: 8 of 1,613,996 alleles (0.0005%); highest among the groups gnomAD compares: South Asian, 0.0044%; no homozygotes.

Submissions (6):

Myriad Genetics, Inc.
Classification: Uncertain significance for Hyperinsulinemic hypoglycemia, familial, 1. Last evaluated: 2025-10-21. Review status: criteria provided, single submitter. Criteria: Myriad Autosomal Dominant, Autosomal Recessive and X-Linked Classification Criteria (2023). Collection method: clinical testing. Allele origin: unknown.
Comment: NM_000352.3(ABCC8):c.2993G>C(R998P) is a missense variant classified as a variant of uncertain significance in the context of familial hyperinsulinism, ABCC8-related. R998P has been observed in a case with relevant disease (PMID: 39391454). Relevant functional assessments of this variant are not available in the literature. R998P has been observed in referenced population frequency databases. In summary, there is insufficient evidence to classify NM_000352.3(ABCC8):c.2993G>C(R998P) as pathogenic or benign. Please note: this variant was assessed in the context of healthy population screening.

Fulgent Genetics
Classification: Uncertain significance for Type 2 diabetes mellitus; Leucine-induced hypoglycemia; Hyperinsulinemic hypoglycemia, familial, 1; Diabetes mellitus, transient neonatal, 2; Diabetes mellitus, permanent neonatal 3. Last evaluated: 2024-05-28. Review status: criteria provided, single submitter. Criteria: ACMG Guidelines, 2015. Collection method: clinical testing. Allele origin: germline.

MVZ Dr. Eberhard & Partner Dortmund
Classification: Uncertain significance. Last evaluated: 2018-04-27. Review status: criteria provided, single submitter. Criteria: ACMG Guidelines, 2015. Collection method: clinical testing. Allele origin: unknown. Observed: 1 variant allele.

Illumina Laboratory Services, Illumina
Classification: Uncertain significance for Diabetes mellitus, transient neonatal, 2. Last evaluated: 2018-01-12. Review status: criteria provided, single submitter. Criteria: ICSL Variant Classification Criteria 13 December 2019. Collection method: clinical testing. Allele origin: germline.

Illumina Laboratory Services, Illumina
Classification: Uncertain significance for Permanent neonatal diabetes mellitus 1. Last evaluated: 2018-01-12. Review status: criteria provided, single submitter. Criteria: ICSL Variant Classification Criteria 13 December 2019. Collection method: clinical testing. Allele origin: germline.

Illumina Laboratory Services, Illumina
Classification: Uncertain significance for Hyperinsulinemic hypoglycemia, familial, 1. Last evaluated: 2018-01-12. Review status: criteria provided, single submitter. Criteria: ICSL Variant Classification Criteria 13 December 2019. Collection method: clinical testing. Allele origin: germline.

Literature cited by the submitters: PubMed 39391454 (cited by Myriad Genetics, Inc.).